The following is an entry in ClinVar:

ClinVar aggregate classification (germline): Uncertain significance (1 of 4 stars; one submission).

Allele frequency attached by ClinVar (database versions not stated): gnomAD exomes below 0.00001; ExAC 0.00001; TOPMed 0.00002; ESP Exome Variant Server 0.00008.

Submission:

Labcorp Genetics (formerly Invitae), Labcorp
Classification: Uncertain significance. Last evaluated: 2021-04-11. Review status: criteria provided, single submitter. Criteria: Invitae Variant Classification Sherloc (09022015). Collection method: clinical testing. Allele origin: germline.
Comment: Experimental studies and prediction algorithms are not available or were not evaluated, and the functional significance of this variant is currently unknown. This variant has not been reported in the literature in individuals with UNC45A-related conditions. In summary, the available evidence is currently insufficient to determine the role of this variant in disease. Therefore, it has been classified as a Variant of Uncertain Significance. This variant is present in population databases (rs371396097, ExAC 0.01%). This sequence change replaces isoleucine with methionine at codon 236 of the UNC45A protein (p.Ile236Met). The isoleucine residue is weakly conserved and there is a small physicochemical difference between isoleucine and methionine.

NM_018671.5(UNC45A):c.708A>G (p.Ile236Met)

Gene: UNC45A (unc-45 myosin chaperone A; plus strand). Cytogenetic location: 15q26.1.
Variant type: single nucleotide variant.
Coding change: c.708A>G on transcript NM_018671.5 (MANE Select); coding-DNA position 708, A replaced by G.
Protein change: p.Ile236Met; replaces isoleucine 236 with methionine.
Molecular consequence: missense variant.
Genome position (GRCh38, 1-based): chr15:90,942,457, A>G. VCF-style: chr15-90942457-A-G. GRCh37 (hg19) VCF-style: chr15-91485687-A-G.
Other names: c.663A>G, p.Ile221Met (NM_001039675.2, NM_001323621.2); c.708A>G, p.Ile236Met (NM_001323619.1); c.273A>G, p.Ile91Met (NM_001323620.2); short protein forms I91M, I221M, I236M.
Identifiers: ClinVar variation 1444961 (VCV001444961.6), dbSNP rs371396097, ClinGen allele CA7742648.
Genomic context (GRCh38, chr15:90,942,457, plus strand): 5'-ACAACTGGAAGCTTCCTTCTGTTTACCTCTCCCACCCCAGACAGTGGCAACCCTGAGCAT[A>G]CTGGGAACTCGGCGAGTAGTCTCCATCCTGGGCGTGGAAAGCCAGGCTGTGTCCCTGGCT-3'
Protein context (NP_061141.2, residues 226-246): HQSRTVATLS[Ile236Met]LGTRRVVSIL